The following is an entry in ClinVar:

NM_001282531.3(ADNP):c.*1446A>G

Gene: ADNP (activity dependent neuroprotector homeobox; minus strand). Cytogenetic location: 20q13.13.
Variant type: single nucleotide variant.
Coding change: c.*1446A>G on transcript NM_001282531.3 (MANE Select); 1446 bases downstream of the stop codon, A replaced by G.
Molecular consequence: 3 prime UTR variant.
Genome position (GRCh38, 1-based): chr20:50,889,959, T>C on the plus strand (A>G on the coding strand, the complement: ADNP is on the minus strand). VCF-style: chr20-50889959-T-C. GRCh37 (hg19) VCF-style: chr20-49506496-T-C.
Other names: c.*1446A>G (NM_001282532.2, NM_001347511.2, NM_015339.5 and 1 more transcripts).
Identifiers: ClinVar variation 3389957 (VCV003389957.14).

ClinVar aggregate classification (germline): Uncertain significance (1 of 4 stars; one submission).

gnomAD v4.1: 1 of 351,750 alleles (0.00028%); no homozygotes.

Submission:

CeGaT Center for Human Genetics Tuebingen
Classification: Uncertain significance. Last evaluated: 2024-10-01. Review status: criteria provided, single submitter. Criteria: CeGaT Center For Human Genetics Tuebingen Variant Classification Criteria Version 2. Collection method: clinical testing. Allele origin: germline. Affected: yes. Observed: 1 variant allele.
Comment: ADNP: PM2